The following is an entry in ClinVar:

ClinVar aggregate classification (germline): Uncertain significance. Review status: criteria provided, multiple submitters, no conflicts (2 of 4 stars). 2 submissions from 2 submitters: Uncertain significance (2). Last evaluated 2025-11-22.

Conditions:
Hereditary cancer-predisposing syndrome. Also called: Hereditary neoplastic syndrome; Hereditary Cancer Syndrome; Neoplastic Syndromes, Hereditary; Tumor predisposition. Identifiers: Orphanet 140162, MedGen C0027672, MeSH D009386, MONDO:0015356.
Neuroblastoma, susceptibility to, 3. Also called: ALK-Related Neuroblastic Tumor Susceptibility. Identifiers: Orphanet 635, MedGen C2751681, MONDO:0013083, OMIM 613014.

gnomAD v4.1: 1 of 1,613,680 alleles (0.000062%); highest among the groups gnomAD compares: African/African-American, 0.0013%; no homozygotes.

Submissions (2):

Ambry Genetics
Classification: Uncertain significance for Hereditary cancer-predisposing syndrome. Last evaluated: 2025-11-22. Review status: criteria provided, single submitter. Criteria: Ambry Variant Classification Scheme 2023. Collection method: clinical testing. Allele origin: germline.
Comment: The p.H344L variant (also known as c.1031A>T), located in coding exon 4 of the ALK gene, results from an A to T substitution at nucleotide position 1031. The histidine at codon 344 is replaced by leucine, an amino acid with similar properties. This amino acid position is conserved. In addition, this alteration is predicted to be tolerated by in silico analysis. Based on the available evidence, the clinical significance of this variant remains unclear.

Labcorp Genetics (formerly Invitae), Labcorp
Classification: Uncertain significance for Neuroblastoma, susceptibility to, 3. Last evaluated: 2025-11-10. Review status: criteria provided, single submitter. Criteria: Invitae Variant Classification Sherloc (09022015). Collection method: clinical testing. Allele origin: germline.
Comment: This sequence change replaces histidine, which is basic and polar, with leucine, which is neutral and non-polar, at codon 344 of the ALK protein (p.His344Leu). This variant is present in population databases (rs147640694, gnomAD 0.007%). This variant has not been reported in the literature in individuals affected with ALK-related conditions. An algorithm developed to predict the effect of missense changes on protein structure and function (PolyPhen-2) suggests that this variant is likely to be tolerated. In summary, the available evidence is currently insufficient to determine the role of this variant in disease. Therefore, it has been classified as a Variant of Uncertain Significance.

NM_004304.5(ALK):c.1031A>T (p.His344Leu)

Gene: ALK (ALK receptor tyrosine kinase; minus strand). Cytogenetic location: 2p23.2.
Variant type: single nucleotide variant.
Coding change: c.1031A>T on transcript NM_004304.5 (MANE Select); coding-DNA position 1031, A replaced by T.
Protein change: p.His344Leu; replaces histidine 344 with leucine.
Molecular consequence: missense variant.
Genome position (GRCh38, 1-based): chr2:29,532,038, T>A on the plus strand (A>T on the coding strand, the complement: ALK is on the minus strand). VCF-style: chr2-29532038-T-A. GRCh37 (hg19) VCF-style: chr2-29754904-T-A.
Other names: short protein forms H344L.
Identifiers: ClinVar variation 4680604 (VCV004680604.2).